The following is an entry in ClinVar:

NM_005589.4(ALDH6A1):c.194A>G (p.Asn65Ser)

Genes: ALDH6A1 (aldehyde dehydrogenase 6 family member A1; minus strand), BBOF1 (basal body orientation factor 1; plus strand). Cytogenetic location: 14q24.3.
Variant type: single nucleotide variant.
Coding change: c.194A>G on transcript NM_005589.4 (MANE Select); coding-DNA position 194, A replaced by G.
Protein change: p.Asn65Ser; replaces asparagine 65 with serine.
Molecular consequence: missense variant. On other transcripts: 5 prime UTR variant (1).
Genome position (GRCh38, 1-based): chr14:74,072,357, T>C on the plus strand (A>G on the coding strand, the complement: ALDH6A1 is on the minus strand). VCF-style: chr14-74072357-T-C. GRCh37 (hg19) VCF-style: chr14-74539060-T-C.
Other names: c.194A>G, p.Asn65Ser (NM_001278593.2); c.-432A>G (NM_001278594.2); short protein forms N65S.
Identifiers: ClinVar variation 872052 (VCV000872052.52), dbSNP rs111975186, ClinGen allele CA7265905.
Genomic context (GRCh38, chr14:74,072,357, plus strand): 5'-GAAGCAATGGCTGCATCCATTTCTGCCTTGGTGGCCTGAGGGACCCGACCAATGACCTCA[T>C]TGGTGGCCTGATGAGAAAAATAAGCACATGATCCTTTGCCTGACTCACCTTCTCCACTGT-3'
Protein context (NP_005580.1, residues 55-75): KWIDIHNPAT[Asn65Ser]EVIGRVPQAT

ClinVar aggregate classification (germline): Conflicting classifications of pathogenicity. Review status: criteria provided, conflicting classifications (1 of 4 stars). 4 submissions from 4 submitters: Uncertain significance (2); Benign (1). 1 of the submissions does not count toward it. Last evaluated 2025-11-17.

Conditions:
ALDH6A1-related disorder. Also called: ALDH6A1-related condition.
Methylmalonate semialdehyde dehydrogenase deficiency (MMSDHD). Also called: MMSDH DEFICIENCY. Identifiers: Orphanet 289307, MedGen C3279840, MONDO:0013579, OMIM 614105.

Allele frequency attached by ClinVar (database versions not stated): 1000 Genomes Project 0.00020; 1000 Genomes Project 30x 0.00047; TOPMed 0.00087; gnomAD 0.00090; gnomAD exomes 0.00094 and 0.00136; ESP Exome Variant Server 0.00115; ExAC 0.00118.
gnomAD v4.1: 2,146 of 1,614,202 alleles (0.13%); highest among the groups gnomAD compares: Non-Finnish European, 0.17%; 3 homozygotes.

Submissions (5):

Labcorp Genetics (formerly Invitae), Labcorp
Classification: Benign. Last evaluated: 2025-11-17. Review status: criteria provided, single submitter. Criteria: Invitae Variant Classification Sherloc (09022015). Collection method: clinical testing. Allele origin: germline.

CeGaT Center for Human Genetics Tuebingen
Classification: Uncertain significance. Last evaluated: 2019-07-01. Review status: criteria provided, single submitter. Criteria: CeGaT Center For Human Genetics Tuebingen Variant Classification Criteria Version 2. Collection method: clinical testing. Allele origin: germline. Affected: yes. Observed: 1 variant allele.

Illumina Laboratory Services, Illumina
Classification: Uncertain significance for Methylmalonate semialdehyde dehydrogenase deficiency. Last evaluated: 2018-01-13. Review status: criteria provided, single submitter. Criteria: ICSL Variant Classification Criteria 13 December 2019. Collection method: clinical testing. Allele origin: germline.

PreventionGenetics, part of Exact Sciences
Classification: Likely benign for ALDH6A1-related condition. Last evaluated: 2022-08-18. Review status: no assertion criteria provided. Collection method: clinical testing. Allele origin: germline. Not counted in ClinVar's aggregate classification.
Comment: This variant is classified as likely benign based on ACMG/AMP sequence variant interpretation guidelines (Richards et al. 2015 PMID: 25741868, with internal and published modifications).

Dr. Peter K. Rogan Lab, Western University
No classification provided (evidence only). Condition: Uterine corpus endometrial carcinoma. Review status: no classification provided. Collection method: in vitro. Allele origin: not applicable. Functional consequence: retained intron. Not counted in ClinVar's aggregate classification.